The following is an entry in ClinVar:

ClinVar aggregate classification (germline): Uncertain significance. Review status: criteria provided, multiple submitters, no conflicts (2 of 4 stars). 2 submissions from 2 submitters: Uncertain significance (2). Last evaluated 2022-11-29.

Conditions:
Deficiency of adenosine deaminase 2. Also called: Polyarteritis nodosa, childhoood-onset; VASCULITIS, AUTOINFLAMMATION, IMMUNODEFICIENCY, AND HEMATOLOGIC DEFECTS SYNDROME; Adenosine Deaminase 2 Deficiency. Identifiers: Orphanet 404553, MedGen C3887654, MONDO:0014306, OMIM 615688, MONDO:0100317.

Submissions (2):

Laboratorio de Genetica e Diagnostico Molecular, Hospital Israelita Albert Einstein
Classification: Uncertain significance for Deficiency of adenosine deaminase 2. Last evaluated: 2022-11-29. Review status: criteria provided, single submitter. Criteria: ACMG Guidelines, 2015. Collection method: clinical testing. Allele origin: germline. Affected: yes. Observed: 1 variant allele.
Comment: ACMG classification criteria: PM2 moderated, PP3 supporting

Labcorp Genetics (formerly Invitae), Labcorp
Classification: Uncertain significance for Deficiency of adenosine deaminase 2. Last evaluated: 2022-06-13. Review status: criteria provided, single submitter. Criteria: Invitae Variant Classification Sherloc (09022015). Collection method: clinical testing. Allele origin: germline.
Comment: In summary, the available evidence is currently insufficient to determine the role of this variant in disease. Therefore, it has been classified as a Variant of Uncertain Significance. Algorithms developed to predict the effect of missense changes on protein structure and function (SIFT, PolyPhen-2, Align-GVGD) all suggest that this variant is likely to be disruptive. This variant has not been reported in the literature in individuals affected with ADA2-related conditions. This variant is not present in population databases (gnomAD no frequency). This sequence change replaces phenylalanine, which is neutral and non-polar, with serine, which is neutral and polar, at codon 276 of the ADA2 protein (p.Phe276Ser).

NM_001282225.2(ADA2):c.827T>C (p.Phe276Ser)

Gene: ADA2 (adenosine deaminase 2; minus strand). Cytogenetic location: 22q11.1.
Variant type: single nucleotide variant.
Coding change: c.827T>C on transcript NM_001282225.2 (MANE Select); coding-DNA position 827, T replaced by C.
Protein change: p.Phe276Ser; replaces phenylalanine 276 with serine.
Molecular consequence: missense variant.
Genome position (GRCh38, 1-based): chr22:17,191,737, A>G on the plus strand (T>C on the coding strand, the complement: ADA2 is on the minus strand). VCF-style: chr22-17191737-A-G. GRCh37 (hg19) VCF-style: chr22-17672627-A-G.
Other names: c.827T>C, p.Phe276Ser (NM_001282226.2); c.701T>C, p.Phe234Ser (NM_001282227.2, NM_001282228.2); c.467T>C, p.Phe156Ser (NM_001282229.2); c.104T>C, p.Phe35Ser (NM_177405.3); short protein forms F35S, F234S, F276S, F156S.
Identifiers: ClinVar variation 1486931 (VCV001486931.9), dbSNP rs2123651469, ClinGen allele CA410225534.